The following is an entry in ClinVar:

ClinVar aggregate classification (germline): Benign. Review status: criteria provided, multiple submitters, no conflicts (2 of 4 stars). 7 submissions from 7 submitters: Benign (7). Last evaluated 2026-02-01.

Conditions:
Autosomal recessive limb-girdle muscular dystrophy type 2P. Also called: MUSCULAR DYSTROPHY-DYSTROGLYCANOPATHY, LIMB-GIRDLE, DAG1-RELATED; Limb-Girdle Muscular Dystrophy Type 9C; MUSCULAR DYSTROPHY, LIMB-GIRDLE, TYPE 2P. Identifiers: Orphanet 280333, MedGen C4511963, MONDO:0013440, OMIM 613818.
Muscular dystrophy-dystroglycanopathy (congenital with brain and eye anomalies), type A9. Also called: WALKER-WARBURG SYNDROME OR MUSCLE-EYE BRAIN DISEASE, DAG1-RELATED; Muscular dystrophy-dystroglycanopathy (congenital with brain and eye anomalies), type a, 9. Identifiers: Orphanet 370997, Orphanet 899, MedGen C4225291, MONDO:0014683, OMIM 616538.

Allele frequency attached by ClinVar (database versions not stated): gnomAD exomes 0.00043 and 0.00119; ExAC 0.00148; ESP Exome Variant Server 0.00423; gnomAD 0.00435 and 0.00456; TOPMed 0.00502; 1000 Genomes Project 0.00559; 1000 Genomes Project 30x 0.00578.
gnomAD v4.1: 1,327 of 1,614,118 alleles (0.082%); highest among the groups gnomAD compares: African/African-American, 1.5%; 15 homozygotes.

Submissions (7):

CeGaT Center for Human Genetics Tuebingen
Classification: Benign. Last evaluated: 2026-02-01. Review status: criteria provided, single submitter. Criteria: CeGaT Center For Human Genetics Tuebingen Variant Classification Criteria Version 2. Collection method: clinical testing. Allele origin: germline. Affected: yes. Observed: 5 variant alleles.
Comment: DAG1: BP4, BP7, BS1, BS2

Labcorp Genetics (formerly Invitae), Labcorp
Classification: Benign for Autosomal recessive limb-girdle muscular dystrophy type 2P; Muscular dystrophy-dystroglycanopathy (congenital with brain and eye anomalies), type A9. Last evaluated: 2026-01-15. Review status: criteria provided, single submitter. Criteria: Invitae Variant Classification Sherloc (09022015). Collection method: clinical testing. Allele origin: germline.

Athena Diagnostics
Classification: Benign. Last evaluated: 2021-01-12. Review status: criteria provided, single submitter. Criteria: Athena Diagnostics criteria. Collection method: clinical testing. Allele origin: unknown.

Mayo Clinic Laboratories, Mayo Clinic
Classification: Benign. Last evaluated: 2020-02-24. Review status: criteria provided, single submitter. Criteria: ACMG Guidelines, 2015. Collection method: clinical testing. Allele origin: germline. Observed: 4 variant alleles.

GeneDx
Classification: Benign. Last evaluated: 2018-01-18. Review status: criteria provided, single submitter. Criteria: GeneDx Variant Classification (06012015). Collection method: clinical testing. Allele origin: germline. Affected: yes.
Comment: This variant is considered likely benign or benign based on one or more of the following criteria: it is a conservative change, it occurs at a poorly conserved position in the protein, it is predicted to be benign by multiple in silico algorithms, and/or has population frequency not consistent with disease.

Breakthrough Genomics
Classification: Benign. Review status: criteria provided, single submitter. Criteria: ACMG Guidelines, 2015. Collection method: not provided. Allele origin: germline. Inheritance: Autosomal recessive inheritance. Affected: yes.

PreventionGenetics, part of Exact Sciences
Classification: Benign. Review status: criteria provided, single submitter. Criteria: ACMG Guidelines, 2015. Collection method: clinical testing. Allele origin: germline.

NM_004393.6(DAG1):c.1701C>T (p.Ser567=)

Gene: DAG1 (dystroglycan 1; plus strand). Cytogenetic location: 3p21.31.
Variant type: single nucleotide variant.
Coding change: c.1701C>T on transcript NM_004393.6 (MANE Select); coding-DNA position 1701, C replaced by T.
Protein change: p.Ser567=; no amino-acid change (serine 567 retained).
Molecular consequence: synonymous variant.
Genome position (GRCh38, 1-based): chr3:49,532,212, C>T. VCF-style: chr3-49532212-C-T. GRCh37 (hg19) VCF-style: chr3-49569645-C-T.
Other names: p.Ser567=; c.1701C>T (NM_004393.4); c.1701C>T, p.Ser567= (NM_001165928.4, NM_001177634.3, NM_001177635.3 and 9 more transcripts).
Identifiers: ClinVar variation 257586 (VCV000257586.41), dbSNP rs142579425, ClinGen allele CA2399124.